The following is an entry in ClinVar:

NM_152383.5(DIS3L2):c.1773G>C (p.Met591Ile)

Gene: DIS3L2 (DIS3 like 3'-5' exoribonuclease 2; plus strand). Cytogenetic location: 2q37.1.
Variant type: single nucleotide variant.
Coding change: c.1773G>C on transcript NM_152383.5 (MANE Select); coding-DNA position 1773, G replaced by C.
Protein change: p.Met591Ile; replaces methionine 591 with isoleucine.
Molecular consequence: missense variant. On other transcripts: intron variant (1).
Genome position (GRCh38, 1-based): chr2:232,329,846, G>C. VCF-style: chr2-232329846-G-C. GRCh37 (hg19) VCF-style: chr2-233194556-G-C.
Other names: c.1582-13499G>C (NM_001257281.2); short protein forms M591I.
Identifiers: ClinVar variation 836867 (VCV000836867.9), dbSNP rs761577468, ClinGen allele CA350975992.
Genomic context (GRCh38, chr2:232,329,846, plus strand): 5'-CCCTCCCATCCCACCCACCCTCTGCAGGCTCGTGGAGGAGTTCATGCTCTTGGCCAACAT[G>C]GCAGTGGCCCACAAGATCCACCGCGCCTTCCCCGAGCAGGCCCTGCTGCGCCGGCACCCC-3'
Protein context (NP_689596.4, residues 581-601): LVEEFMLLAN[Met591Ile]AVAHKIHRAF

ClinVar aggregate classification (germline): Uncertain significance (1 of 4 stars; one submission).

Conditions:
Perlman syndrome (PRLMNS). Identifiers: Orphanet 2849, MedGen C0796113, MONDO:0009965, OMIM 267000.

Allele frequency attached by ClinVar (database versions not stated): TOPMed below 0.00001; gnomAD 0.00001.
gnomAD v4.1: 1 of 1,331,782 alleles (0.000075%); highest among the groups gnomAD compares: East Asian, 0.005%; no homozygotes.

Submission:

Labcorp Genetics (formerly Invitae), Labcorp
Classification: Uncertain significance for Perlman syndrome. Last evaluated: 2019-02-22. Review status: criteria provided, single submitter. Criteria: Invitae Variant Classification Sherloc (09022015). Collection method: clinical testing. Allele origin: germline.
Comment: This sequence change replaces methionine with isoleucine at codon 591 of the DIS3L2 protein (p.Met591Ile). The methionine residue is moderately conserved and there is a small physicochemical difference between methionine and isoleucine. This variant is not present in population databases (ExAC no frequency). In summary, the available evidence is currently insufficient to determine the role of this variant in disease. Therefore, it has been classified as a Variant of Uncertain Significance. Algorithms developed to predict the effect of missense changes on protein structure and function (SIFT, PolyPhen-2, Align-GVGD) all suggest that this variant is likely to be tolerated, but these predictions have not been confirmed by published functional studies and their clinical significance is uncertain. This variant has not been reported in the literature in individuals with DIS3L2-related conditions.